The following is an entry in ClinVar:

NM_000218.3(KCNQ1):c.605-11G>A

Gene: KCNQ1 (potassium voltage-gated channel subfamily Q member 1; plus strand). Cytogenetic location: 11p15.5.
Variant type: single nucleotide variant.
Coding change: c.605-11G>A on transcript NM_000218.3 (MANE Select); 11 bases into the intron before coding-DNA position 605, G replaced by A.
Molecular consequence: intron variant.
Genome position (GRCh38, 1-based): chr11:2,571,314, G>A. VCF-style: chr11-2571314-G-A. GRCh37 (hg19) VCF-style: chr11-2592544-G-A.
Other names: c.335-11G>A (NM_001406837.1); c.605-11G>A (NM_001406836.1); c.478-12121G>A (NM_001406838.1); c.224-11G>A (NM_181798.2).
Identifiers: ClinVar variation 226686 (VCV000226686.21), dbSNP rs200828849, ClinGen allele CA038958.
Genomic context (GRCh38, chr11:2,571,314, plus strand): 5'-GGGTGTATGCTCTTCCCTGGGGCCCTGGCTGTGGCGATCACGAAAAGCTCCCCCTCTCCT[G>A]CACTCCACAGACCTCATCGTGGTCGTGGCCTCCATGGTGGTCCTCTGCGTGGGCTCCAAG-3'

ClinVar aggregate classification (germline): Benign/Likely benign. Review status: criteria provided, multiple submitters, no conflicts (2 of 4 stars). 6 submissions from 6 submitters: Benign (4); Likely benign (2). Last evaluated 2026-01-31.

Conditions:
Long QT syndrome (LQTS). Identifiers: MedGen C0023976, MeSH D008133, MONDO:0002442. Disease mechanism: loss of function. Inheritance: Various modes of inheritance.
Cardiac arrhythmia. Also called: Cardiac rhythm disease; Arrhythmia. Identifiers: MedGen C0003811, MONDO:0007263, HP:0011675.

Allele frequency attached by ClinVar (database versions not stated): gnomAD 0.00018 and 0.00019; 1000 Genomes Project 0.00020; gnomAD exomes 0.00020 and 0.00098; 1000 Genomes Project 30x 0.00031; TOPMed 0.00046; ExAC 0.00086.
gnomAD v4.1: 315 of 1,611,716 alleles (0.02%); highest among the groups gnomAD compares: Admixed American, 0.49%; 1 homozygote.

Submissions (6):

Labcorp Genetics (formerly Invitae), Labcorp
Classification: Benign for Long QT syndrome. Last evaluated: 2026-01-31. Review status: criteria provided, single submitter. Criteria: Invitae Variant Classification Sherloc (09022015). Collection method: clinical testing. Allele origin: germline.

Women's Health and Genetics/Laboratory Corporation of America, LabCorp
Classification: Benign. Last evaluated: 2023-05-08. Review status: criteria provided, single submitter. Criteria: LabCorp Variant Classification Summary - May 2015. Collection method: clinical testing. Allele origin: germline.

GeneDx
Classification: Likely benign. Last evaluated: 2021-10-25. Review status: criteria provided, single submitter. Criteria: GeneDx Variant Classification Process June 2021. Collection method: clinical testing. Allele origin: germline. Affected: yes.

Blueprint Genetics
Classification: Likely benign. Last evaluated: 2021-07-05. Review status: criteria provided, single submitter. Criteria: ACMG Guidelines, 2015. Collection method: clinical testing. Allele origin: germline.

Color Diagnostics, LLC DBA Color Health
Classification: Benign for Arrhythmia. Last evaluated: 2018-12-01. Review status: criteria provided, single submitter. Criteria: ACMG Guidelines, 2015. Collection method: clinical testing. Allele origin: germline.

Laboratory for Molecular Medicine, Mass General Brigham Personalized Medicine
Classification: Benign. Last evaluated: 2015-06-08. Review status: criteria provided, single submitter. Criteria: LMM Criteria. Collection method: clinical testing. Allele origin: germline. Observed: 3 variant alleles.
Comment: c.605-11G>A in intron 3 of KCNQ1: This variant is not expected to have clinical significance it has been identified in 0.9% (101/11526) of Latino chromosomes, w ith 2 homozygote individuals, by the Exome Aggregation Consortium (ExAC; dbSNP rs200828849).